The following is an entry in ClinVar:

ClinVar aggregate classification (germline): Uncertain significance (1 of 4 stars; one submission).

Conditions:
Mucopolysaccharidosis, MPS-II (MPS2). Also called: IDS deficiency; Sulfoiduronate sulfatase deficiency; SIDS deficiency; Mucopolysaccharidosis with skin involvement; Mucopolysaccharidosis type 2; Attenuated MPS (subtype; formerly known as mild MPS II). Identifiers: Orphanet 580, Orphanet 79388, MedGen C0026705, MONDO:0010674, OMIM 309900.

Submission:

Labcorp Genetics (formerly Invitae), Labcorp
Classification: Uncertain significance for Mucopolysaccharidosis, MPS-II. Last evaluated: 2024-09-06. Review status: criteria provided, single submitter. Criteria: Invitae Variant Classification Sherloc (09022015). Collection method: clinical testing. Allele origin: germline.
Comment: This sequence change replaces alanine, which is neutral and non-polar, with threonine, which is neutral and polar, at codon 113 of the IDS protein (p.Ala113Thr). This variant is not present in population databases (gnomAD no frequency). This variant has not been reported in the literature in individuals affected with IDS-related conditions. ClinVar contains an entry for this variant (Variation ID: 1928757). Invitae Evidence Modeling of protein sequence and biophysical properties (such as structural, functional, and spatial information, amino acid conservation, physicochemical variation, residue mobility, and thermodynamic stability) indicates that this missense variant is expected to disrupt IDS protein function with a positive predictive value of 95%. In summary, the available evidence is currently insufficient to determine the role of this variant in disease. Therefore, it has been classified as a Variant of Uncertain Significance.

NM_000202.8(IDS):c.337G>A (p.Ala113Thr)

Gene: IDS (iduronate 2-sulfatase; minus strand). Cytogenetic location: Xq28.
Variant type: single nucleotide variant.
Coding change: c.337G>A on transcript NM_000202.8 (MANE Select); coding-DNA position 337, G replaced by A.
Protein change: p.Ala113Thr; replaces alanine 113 with threonine.
Molecular consequence: missense variant. On other transcripts: non-coding transcript variant (1).
Genome position (GRCh38, 1-based): chrX:149,503,393, C>T on the plus strand (G>A on the coding strand, the complement: IDS is on the minus strand). VCF-style: chrX-149503393-C-T. GRCh37 (hg19) VCF-style: chrX-148584923-C-T.
Other names: c.67G>A, p.Ala23Thr (NM_001166550.4); c.337G>A, p.Ala113Thr (NM_006123.5); short protein forms A23T, A113T.
Identifiers: ClinVar variation 1928757 (VCV001928757.4), dbSNP rs2124063209, ClinGen allele CA414526199.
Genomic context (GRCh38, chrX:149,503,393, plus strand): 5'-CCGACATGGTCACATAGCCATTCTCCTTGAAGTACTGGGGGATGGTGGAGAAGTTTCCAG[C>T]GTGCACCCTCCAGTAGGAGTTGAAGTCGTACAGGCGGGTGGTGTCAGGTCTCCTGCCAGT-3'
Protein context (NP_000193.1, residues 103-123): YDFNSYWRVH[Ala113Thr]GNFSTIPQYF